The following is an entry in ClinVar:

ClinVar aggregate classification (germline): Likely pathogenic (1 of 4 stars; one submission).

Conditions:
TTN-related disorder. Also called: TTN-related condition; TTN-related disease; TTN-related disorders.

Submission:

PreventionGenetics, part of Exact Sciences
Classification: Likely pathogenic for TTN-related condition. Last evaluated: 2023-08-31. Review status: criteria provided, single submitter. Criteria: ACMG Guidelines, 2015. Collection method: clinical testing. Allele origin: germline.
Comment: The TTN c.80403G>A variant is predicted to result in premature protein termination (p.Trp26801*). To our knowledge, this variant has not been reported in the literature or in a large population database, indicating this variant is rare. Nonsense variants in TTN are expected to be pathogenic. This variant is interpreted as likely pathogenic.

NM_001267550.2(TTN):c.80403G>A (p.Trp26801Ter)

Genes: TTN (titin; minus strand), TTN-AS1 (TTN antisense RNA 1; plus strand). Cytogenetic location: 2q31.2.
Variant type: single nucleotide variant.
Coding change: c.80403G>A on transcript NM_001267550.2 (MANE Select); coding-DNA position 80403, G replaced by A.
Protein change: p.Trp26801Ter; replaces tryptophan 26801 with a stop codon.
Molecular consequence: nonsense.
Genome position (GRCh38, 1-based): chr2:178,565,729, C>T on the plus strand (G>A on the coding strand, the complement: TTN is on the minus strand). VCF-style: chr2-178565729-C-T. GRCh37 (hg19) VCF-style: chr2-179430456-C-T.
Other names: c.75480G>A, p.Trp25160Ter (NM_001256850.1); c.53208G>A, p.Trp17736Ter (NM_003319.4); c.72699G>A, p.Trp24233Ter (NM_133378.4); c.53583G>A, p.Trp17861Ter (NM_133432.3); c.53784G>A, p.Trp17928Ter (NM_133437.4); short protein forms W17736*, W17861*, W17928*, W24233*, W25160*, W26801*.
Identifiers: ClinVar variation 2630890 (VCV002630890.1), dbSNP rs2468257592, ClinGen allele CA349588924.